The following is an entry in ClinVar:

ClinVar aggregate classification (germline): Uncertain significance (1 of 4 stars; one submission).

Conditions:
Familial melanoma. Also called: Hereditary melanoma; Hereditary cutaneous melanoma. Identifiers: Orphanet 618, MedGen C1512419, MONDO:0018961.

Allele frequency attached by ClinVar (database versions not stated): TOPMed below 0.00001.

Submission:

Labcorp Genetics (formerly Invitae), Labcorp
Classification: Uncertain significance for Familial melanoma. Last evaluated: 2021-08-30. Review status: criteria provided, single submitter. Criteria: Invitae Variant Classification Sherloc (09022015). Collection method: clinical testing. Allele origin: germline.
Comment: This sequence change replaces valine with leucine at codon 57 of the CDK4 protein (p.Val57Leu). The valine residue is moderately conserved and there is a small physicochemical difference between valine and leucine. This variant is not present in population databases (ExAC no frequency). This variant has not been reported in the literature in individuals affected with CDK4-related conditions. Algorithms developed to predict the effect of missense changes on protein structure and function are either unavailable or do not agree on the potential impact of this missense change (SIFT: "Deleterious"; PolyPhen-2: "Benign"; Align-GVGD: "Class C0"). In summary, the available evidence is currently insufficient to determine the role of this variant in disease. Therefore, it has been classified as a Variant of Uncertain Significance.

NM_000075.4(CDK4):c.169G>T (p.Val57Leu)

Genes: CDK4 (cyclin dependent kinase 4; minus strand), LOC130008148 (ATAC-STARR-seq lymphoblastoid silent region 4588; plus strand). Cytogenetic location: 12q14.1.
Variant type: single nucleotide variant.
Coding change: c.169G>T on transcript NM_000075.4 (MANE Select); coding-DNA position 169, G replaced by T.
Protein change: p.Val57Leu; replaces valine 57 with leucine.
Molecular consequence: missense variant.
Genome position (GRCh38, 1-based): chr12:57,751,549, C>A on the plus strand (G>T on the coding strand, the complement: CDK4 is on the minus strand). VCF-style: chr12-57751549-C-A. GRCh37 (hg19) VCF-style: chr12-58145332-C-A.
Other names: short protein forms V57L.
Identifiers: ClinVar variation 463462 (VCV000463462.2), dbSNP rs1555201369, ClinGen allele CA385548604.